The following is an entry in ClinVar:

ClinVar aggregate classification (germline): Uncertain significance (1 of 4 stars; one submission).

Allele frequency attached by ClinVar (database versions not stated): gnomAD 0.00015; TOPMed 0.00016; 1000 Genomes Project 30x 0.00031; 1000 Genomes Project 0.00040.
gnomAD v4.1: 80 of 1,536,054 alleles (0.0052%); highest among the groups gnomAD compares: African/African-American, 0.052%; no homozygotes.

Submission:

Labcorp Genetics (formerly Invitae), Labcorp
Classification: Uncertain significance. Last evaluated: 2022-08-19. Review status: criteria provided, single submitter. Criteria: Invitae Variant Classification Sherloc (09022015). Collection method: clinical testing. Allele origin: germline.
Comment: Algorithms developed to predict the effect of sequence changes on RNA splicing suggest that this variant may create or strengthen a splice site. In summary, the available evidence is currently insufficient to determine the role of this variant in disease. Therefore, it has been classified as a Variant of Uncertain Significance. Algorithms developed to predict the effect of missense changes on protein structure and function are either unavailable or do not agree on the potential impact of this missense change (SIFT: "Tolerated"; PolyPhen-2: "Probably Damaging"; Align-GVGD: "Class C0"). This sequence change replaces arginine, which is basic and polar, with cysteine, which is neutral and slightly polar, at codon 94 of the GCGR protein (p.Arg94Cys). This variant is present in population databases (rs552010052, gnomAD 0.03%). This variant has not been reported in the literature in individuals affected with GCGR-related conditions.

NM_000160.5(GCGR):c.280C>T (p.Arg94Cys)

Gene: GCGR (glucagon receptor; plus strand). Cytogenetic location: 17q25.3.
Variant type: single nucleotide variant.
Coding change: c.280C>T on transcript NM_000160.5 (MANE Select); coding-DNA position 280, C replaced by T.
Protein change: p.Arg94Cys; replaces arginine 94 with cysteine.
Molecular consequence: missense variant.
Genome position (GRCh38, 1-based): chr17:81,811,018, C>T. VCF-style: chr17-81811018-C-T. GRCh37 (hg19) VCF-style: chr17-79768894-C-T.
Other names: short protein forms R94C.
Identifiers: ClinVar variation 2084540 (VCV002084540.4), dbSNP rs552010052, ClinGen allele CA8842039.